The following is an entry in ClinVar:

NM_000070.3(CAPN3):c.452A>C (p.His151Pro)

Genes: CAPN3 (calpain 3; plus strand), LOC126862115 (BRD4-independent group 4 enhancer GRCh37_chr15:42677734-42678933; plus strand). Cytogenetic location: 15q15.1.
Variant type: single nucleotide variant.
Coding change: c.452A>C on transcript NM_000070.3 (MANE Select); coding-DNA position 452, A replaced by C.
Protein change: p.His151Pro; replaces histidine 151 with proline.
Molecular consequence: missense variant.
Genome position (GRCh38, 1-based): chr15:42,386,239, A>C. VCF-style: chr15-42386239-A-C. GRCh37 (hg19) VCF-style: chr15-42678437-A-C.
Other names: c.452A>C (NM_000070.2); c.452A>C, p.His151Pro (NM_024344.2, NM_173087.2); short protein forms H151P.
Identifiers: ClinVar variation 1431307 (VCV001431307.5), dbSNP rs766369281, ClinGen allele CA7511017.

ClinVar aggregate classification (germline): Uncertain significance. Review status: criteria provided, multiple submitters, no conflicts (2 of 4 stars). 2 submissions from 2 submitters: Uncertain significance (2). Last evaluated 2021-11-04.

Conditions:
Autosomal recessive limb-girdle muscular dystrophy type 2A (LGMDR1). Also called: Muscular dystrophy, limb-girdle, type 2A, Amish; LEYDEN-MOEBIUS MUSCULAR DYSTROPHY; MUSCULAR DYSTROPHY, PELVOFEMORAL; Limb-girdle muscular dystrophy, type 2A; Calpainopathy. Identifiers: Orphanet 267, MedGen C1869123, MONDO:0009675, OMIM 253600. Disease mechanism: loss of function.

Allele frequency attached by ClinVar (database versions not stated): gnomAD exomes 0.00001; ExAC 0.00002.
gnomAD v4.1: 5 of 1,614,074 alleles (0.00031%); highest among the groups gnomAD compares: South Asian, 0.0055%; no homozygotes.

Submissions (2):

Labcorp Genetics (formerly Invitae), Labcorp
Classification: Uncertain significance for Autosomal recessive limb-girdle muscular dystrophy type 2A. Last evaluated: 2021-11-04. Review status: criteria provided, single submitter. Criteria: Invitae Variant Classification Sherloc (09022015). Collection method: clinical testing. Allele origin: germline.
Comment: This sequence change replaces histidine, which is basic and polar, with proline, which is neutral and non-polar, at codon 151 of the CAPN3 protein (p.His151Pro). This variant is present in population databases (rs766369281, gnomAD 0.01%). This variant has not been reported in the literature in individuals affected with CAPN3-related conditions. Algorithms developed to predict the effect of missense changes on protein structure and function (SIFT, PolyPhen-2, Align-GVGD) all suggest that this variant is likely to be tolerated. In summary, the available evidence is currently insufficient to determine the role of this variant in disease. Therefore, it has been classified as a Variant of Uncertain Significance.

Revvity Omics, Revvity
Classification: Uncertain significance. Last evaluated: 2019-08-29. Review status: criteria provided, single submitter. Criteria: ACMG Guidelines, 2015. Collection method: clinical testing. Allele origin: germline.